The following is an entry in ClinVar:

ClinVar aggregate classification (germline): Uncertain significance (1 of 4 stars; one submission).

Conditions:
Vici syndrome (VICIS). Identifiers: Orphanet 1493, MedGen C1855772, MONDO:0009452, OMIM 242840.

Allele frequency attached by ClinVar (database versions not stated): gnomAD exomes below 0.00001; ExAC 0.00001; TOPMed 0.00002; gnomAD 0.00003; ESP Exome Variant Server 0.00008.
gnomAD v4.1: 6 of 1,614,044 alleles (0.00037%); highest among the groups gnomAD compares: African/African-American, 0.004%; no homozygotes.

Submission:

Labcorp Genetics (formerly Invitae), Labcorp
Classification: Uncertain significance for Vici syndrome. Last evaluated: 2022-02-04. Review status: criteria provided, single submitter. Criteria: Invitae Variant Classification Sherloc (09022015). Collection method: clinical testing. Allele origin: germline.
Comment: Algorithms developed to predict the effect of missense changes on protein structure and function are either unavailable or do not agree on the potential impact of this missense change (SIFT: "Tolerated"; PolyPhen-2: "Probably Damaging"; Align-GVGD: "Class C0"). In summary, the available evidence is currently insufficient to determine the role of this variant in disease. Therefore, it has been classified as a Variant of Uncertain Significance. This variant has not been reported in the literature in individuals affected with EPG5-related conditions. This variant is present in population databases (rs377551412, gnomAD 0.004%). This sequence change replaces histidine, which is basic and polar, with leucine, which is neutral and non-polar, at codon 1007 of the EPG5 protein (p.His1007Leu).

NM_020964.3(EPG5):c.3020A>T (p.His1007Leu)

Gene: EPG5 (ectopic P-granules 5 autophagy tethering factor; minus strand). Cytogenetic location: 18q21.1.
Variant type: single nucleotide variant.
Coding change: c.3020A>T on transcript NM_020964.3 (MANE Select); coding-DNA position 3020, A replaced by T.
Protein change: p.His1007Leu; replaces histidine 1007 with leucine.
Molecular consequence: missense variant.
Genome position (GRCh38, 1-based): chr18:45,922,419, T>A on the plus strand (A>T on the coding strand, the complement: EPG5 is on the minus strand). VCF-style: chr18-45922419-T-A. GRCh37 (hg19) VCF-style: chr18-43502385-T-A.
Other names: short protein forms H1007L.
Identifiers: ClinVar variation 1518316 (VCV001518316.6), dbSNP rs377551412, ClinGen allele CA8949284.
Genomic context (GRCh38, chr18:45,922,419, plus strand): 5'-ATAGATAAGGCTAGATAACAGCCAATGGGCATGCCCGCTTTCACAGCCTTCAAGAGAGGA[T>A]GAAACGTGGGTGACTCTGTCATGTCAGGCACAGTGACGGAGAAGGGAACAGCTGGACAAT-3'
Protein context (NP_066015.2, residues 997-1017): VPDMTESPTF[His1007Leu]PLLKAVKAGM